The following is an entry in ClinVar:

NM_000528.4(MAN2B1):c.2402dup (p.Ser802fs)

Gene: MAN2B1 (mannosidase alpha class 2B member 1; minus strand). Cytogenetic location: 19p13.13.
Variant type: Duplication.
Coding change: c.2402dup on transcript NM_000528.4 (MANE Select); coding-DNA position 2402, one base duplicated (G; older notation c.2402dupG).
Protein change: p.Ser802fs; shifts the reading frame from serine 802.
Molecular consequence: frameshift variant.
Genome position (GRCh38, 1-based): chr19:12,649,170, C duplicated on the plus strand (G on the coding strand, the reverse complement: MAN2B1 is on the minus strand); the first of 6 consecutive C bases (chr19:12,649,170-12,649,175); duplicating any one gives the same sequence. VCF-style (leftmost placement, unchanged base first): chr19-12649169-G-GC. GRCh37 (hg19) VCF-style: chr19-12759983-G-GC.
Other names: c.2402dupG (NM_000528.4, NM_000528.3); c.2399dup, p.Ser801fs (NM_001173498.2); c.2402dup (NM_000528.3); short protein forms S801fs, S802fs.
Identifiers: ClinVar variation 195465 (VCV000195465.28), dbSNP rs797044680, ClinGen allele CA275096.

ClinVar aggregate classification (germline): Pathogenic/Likely pathogenic. Review status: criteria provided, multiple submitters, no conflicts (2 of 4 stars). 9 submissions from 9 submitters: Pathogenic (6); Likely pathogenic (1). 2 of the submissions do not count toward it. Last evaluated 2025-10-09.

Conditions:
Deficiency of alpha-mannosidase (MANSA). Also called: Mannosidosis, alpha-, types I and II; LYSOSOMAL ALPHA-D-MANNOSIDASE DEFICIENCY; Alpha-Mannosidosis. Identifiers: Orphanet 61, MedGen C0024748, MONDO:0009561, OMIM 248500.

Submissions (9):

Natera, Inc.
Classification: Pathogenic for Alpha-mannosidosis. Last evaluated: 2025-10-09. Review status: criteria provided, single submitter. Criteria: Natera Variant Classification Schema (03/2026). Collection method: clinical testing. Allele origin: germline.
Comment: The c.2402dupG variant in MAN2B1 is a frameshift variant predicted to shift the reading frame beginning at codon 802 and leads to a stop codon 129 codons downstream. This variant is expected to result in nonsense mediated decay, truncation, or a dysfunctional protein product. This variant is rare in the general population with a frequency below the threshold expected for the associated phenotype(s). This variant has been observed in one or more individuals affected with the associated recessive disease, as either homozygous or compound heterozygous with a second variant (PMID: 22161967). Given the available evidence, this variant is classified as Pathogenic.

Genomic Medicine Center of Excellence, King Faisal Specialist Hospital and Research Centre
Classification: Pathogenic for Deficiency of alpha-mannosidase. Last evaluated: 2024-03-26. Review status: criteria provided, single submitter. Criteria: ACMG Guidelines, 2015. Collection method: clinical testing. Allele origin: germline.

Labcorp Genetics (formerly Invitae), Labcorp
Classification: Pathogenic for Deficiency of alpha-mannosidase. Last evaluated: 2024-02-23. Review status: criteria provided, single submitter. Criteria: Invitae Variant Classification Sherloc (09022015). Collection method: clinical testing. Allele origin: germline.
Comment: This sequence change creates a premature translational stop signal (p.Ser802Glnfs*129) in the MAN2B1 gene. It is expected to result in an absent or disrupted protein product. Loss-of-function variants in MAN2B1 are known to be pathogenic (PMID: 9915946, 22161967). This variant is not present in population databases (gnomAD no frequency). This premature translational stop signal has been observed in individuals with clinical features of alpha-mannosidosis (PMID: 22161967, 26048034, 26633546). ClinVar contains an entry for this variant (Variation ID: 195465). For these reasons, this variant has been classified as Pathogenic.

Genome-Nilou Lab
Classification: Pathogenic for Deficiency of alpha-mannosidase. Last evaluated: 2021-09-05. Review status: criteria provided, single submitter. Criteria: ACMG Guidelines, 2015. Collection method: clinical testing. Allele origin: germline. Affected: no.

Revvity Omics, Revvity
Classification: Pathogenic for Deficiency of alpha-mannosidase. Last evaluated: 2021-08-31. Review status: criteria provided, single submitter. Criteria: ACMG Guidelines, 2015. Collection method: clinical testing. Allele origin: germline.

Equipe Genetique des Anomalies du Developpement, Université de Bourgogne
Classification: Likely pathogenic for Deficiency of alpha-mannosidase. Last evaluated: 2015-07-29. Review status: criteria provided, single submitter. Criteria: ACMG Guidelines, 2015. Collection method: clinical testing. Allele origin: unknown. Affected: yes. Study: Clinvar_gadteam_Clinical_exome_analysis_3.

Eurofins Ntd Llc (ga)
Classification: Pathogenic. Last evaluated: 2015-06-01. Review status: criteria provided, single submitter. Criteria: EGL Classification Definitions. Collection method: clinical testing. Allele origin: germline. Observed: 2 variant alleles, 2 homozygotes.

Biochemistry And Molecular Medicine, Center For Genetics And Inherited Diseases, Taibah University
Classification: Pathogenic for alpha-mannosidosis. Last evaluated: 2024-04-25. Review status: no assertion criteria provided. Collection method: research. Allele origin: germline. Affected: yes. Not counted in ClinVar's aggregate classification.

Counsyl
Classification: Likely pathogenic for Deficiency of alpha-mannosidase. Last evaluated: 2018-04-03. Review status: no assertion criteria provided. Collection method: clinical testing. Allele origin: unknown. Not counted in ClinVar's aggregate classification.

Literature cited by the submitters: PubMed 22161967 (cited by Natera, Inc. and Labcorp Genetics (formerly Invitae), Labcorp); PubMed 9915946 (cited by Labcorp Genetics (formerly Invitae), Labcorp); PubMed 26048034 (cited by Labcorp Genetics (formerly Invitae), Labcorp and Counsyl); PubMed 26633546 (cited by Labcorp Genetics (formerly Invitae), Labcorp).